The following is an entry in ClinVar:

NM_000138.5(FBN1):c.5065+282A>G

Gene: FBN1 (fibrillin 1; minus strand). Cytogenetic location: 15q21.1.
Variant type: single nucleotide variant.
Coding change: c.5065+282A>G on transcript NM_000138.5 (MANE Select); 282 bases into the intron after coding-DNA position 5065, A replaced by G.
Molecular consequence: intron variant.
Genome position (GRCh38, 1-based): chr15:48,463,617, T>C on the plus strand (A>G on the coding strand, the complement: FBN1 is on the minus strand). VCF-style: chr15-48463617-T-C. GRCh37 (hg19) VCF-style: chr15-48755814-T-C.
Identifiers: ClinVar variation 680952 (VCV000680952.1), dbSNP rs56286136, ClinGen allele CA14131404.
Genomic context (GRCh38, chr15:48,463,617, plus strand): 5'-TAAGTTTCTCGTTTCCGACTCGTGATGTTTTAATACTGTAGGTCAGCACTGTAAATATAA[T>C]TGTACAAAGATACACCCAAAAGTCAAACAAAAGAAGTACTATTAACTGTTGTTTGGGATT-3'

ClinVar aggregate classification (germline): Benign (1 of 4 stars; one submission).

Allele frequency attached by ClinVar (database versions not stated): 1000 Genomes Project 0.12121; 1000 Genomes Project 30x 0.12211; gnomAD 0.12835 and 0.13218; TOPMed 0.13591.
gnomAD v4.1: 19,530 of 152,224 alleles (13%); highest among the groups gnomAD compares: African/African-American, 22%; 1,521 homozygotes.

Submission:

GeneDx
Classification: Benign. Last evaluated: 2018-06-14. Review status: criteria provided, single submitter. Criteria: GeneDx Variant Classification (06012015). Collection method: clinical testing. Allele origin: germline. Affected: yes.
Comment: This variant is considered likely benign or benign based on one or more of the following criteria: it is a conservative change, it occurs at a poorly conserved position in the protein, it is predicted to be benign by multiple in silico algorithms, and/or has population frequency not consistent with disease.